The following is an entry in ClinVar:

ClinVar aggregate classification (germline): Likely benign. Review status: criteria provided, single submitter (1 of 4 stars). 2 submissions from 2 submitters: Likely benign (1). 1 of the submissions does not count toward it. Last evaluated 2025-08-23.

Conditions:
CPT1A-related disorder. Also called: CPT1A-related condition.
Carnitine palmitoyl transferase 1A deficiency. Also called: Carnitine palmitoyltransferase 1A deficiency; CPT deficiency, hepatic, type IA; Carnitine palmitoyltransferase type I deficiency; CPT I DEFICIENCY; CPT DEFICIENCY, HEPATIC, TYPE I. Identifiers: Orphanet 156, MedGen C1829703, MONDO:0009705, OMIM 255120.

Allele frequency attached by ClinVar (database versions not stated): gnomAD exomes 0.00002 and 0.00005; ExAC 0.00008; gnomAD 0.00016 and 0.00019; TOPMed 0.00018; ESP Exome Variant Server 0.00023.
gnomAD v4.1: 52 of 1,613,948 alleles (0.0032%); highest among the groups gnomAD compares: African/African-American, 0.061%; no homozygotes.

Submissions (2):

Labcorp Genetics (formerly Invitae), Labcorp
Classification: Likely benign for Carnitine palmitoyl transferase 1A deficiency. Last evaluated: 2025-08-23. Review status: criteria provided, single submitter. Criteria: Invitae Variant Classification Sherloc (09022015). Collection method: clinical testing. Allele origin: germline.

PreventionGenetics, part of Exact Sciences
Classification: Likely benign for CPT1A-related condition. Last evaluated: 2024-07-09. Review status: no assertion criteria provided. Collection method: clinical testing. Allele origin: germline. Not counted in ClinVar's aggregate classification.
Comment: This variant is classified as likely benign based on ACMG/AMP sequence variant interpretation guidelines (Richards et al. 2015 PMID: 25741868, with internal and published modifications).

NM_001876.4(CPT1A):c.669A>G (p.Leu223=)

Gene: CPT1A (carnitine palmitoyltransferase 1A; minus strand). Cytogenetic location: 11q13.3.
Variant type: single nucleotide variant.
Coding change: c.669A>G on transcript NM_001876.4 (MANE Select); coding-DNA position 669, A replaced by G.
Protein change: p.Leu223=; no amino-acid change (leucine 223 retained).
Molecular consequence: synonymous variant.
Genome position (GRCh38, 1-based): chr11:68,799,242, T>C on the plus strand (A>G on the coding strand, the complement: CPT1A is on the minus strand). VCF-style: chr11-68799242-T-C. GRCh37 (hg19) VCF-style: chr11-68566710-T-C.
Other names: c.669A>G, p.Leu223= (NM_001031847.3).
Identifiers: ClinVar variation 463968 (VCV000463968.12), dbSNP rs373563983, ClinGen allele CA6152599.